The following is an entry in ClinVar:

NM_177438.3(DICER1):c.1383_1386del (p.Ile461fs)

Gene: DICER1 (dicer 1, ribonuclease III; minus strand). Cytogenetic location: 14q32.13.
Variant type: Deletion.
Coding change: c.1383_1386del on transcript NM_177438.3 (MANE Select); coding-DNA positions 1383 to 1386, 4 bases deleted (AAAG; older notation c.1383_1386delAAAG).
Protein change: p.Ile461fs; shifts the reading frame from isoleucine 461.
Molecular consequence: frameshift variant.
Genome position (GRCh38, 1-based): chr14:95,117,745-95,117,748, CTTT deleted on the plus strand (AAAG on the coding strand, the reverse complement: DICER1 is on the minus strand). VCF-style (leftmost placement, unchanged base first): chr14-95117744-CCTTT-C. GRCh37 (hg19) VCF-style: chr14-95584081-CCTTT-C.
Other names: c.1383_1386del, p.Ile461fs (NM_001195573.1, NM_001271282.3, NM_001291628.2 and 1 more transcripts); short protein forms I461fs.
Identifiers: ClinVar variation 933096 (VCV000933096.9), dbSNP rs1892609218, ClinGen allele CA1139663671.

ClinVar aggregate classification (germline): Pathogenic. Review status: criteria provided, multiple submitters, no conflicts (2 of 4 stars). 3 submissions from 3 submitters: Pathogenic (3). Last evaluated 2026-09-08.

Conditions:
DICER1-related tumor predisposition. Also called: DICER1-related pleuropulmonary blastoma cancer predisposition syndrome; DICER1 syndrome. Identifiers: Orphanet 284343, MedGen C3839822, MONDO:0100216.
Hereditary cancer-predisposing syndrome. Also called: Neoplastic Syndromes, Hereditary; Hereditary Cancer Syndrome; Tumor predisposition; Hereditary neoplastic syndrome. Identifiers: Orphanet 140162, MedGen C0027672, MeSH D009386, MONDO:0015356.

Submissions (3):

Ambry Genetics
Classification: Pathogenic for Hereditary cancer-predisposing syndrome. Last evaluated: 2026-09-08. Review status: criteria provided, single submitter. Criteria: Ambry Variant Classification Scheme 2023. Collection method: clinical testing. Allele origin: germline.
Comment: The c.1383_1386delAAAG pathogenic mutation, located in coding exon 8 of the DICER1 gene, results from a deletion of 4 nucleotides at nucleotide positions 1383 to 1386, causing a translational frameshift with a predicted alternate stop codon (p.I461Mfs*18). This variant was reported in individual(s) with features consistent with DICER1-related tumor predisposition syndrome (Seki M et al. Cancer Res, 2014 May;74:2742-9; Ambry internal data). This variant is considered to be rare based on population cohorts in the Genome Aggregation Database (gnomAD). This variant is expected to result in loss of function by premature protein truncation or nonsense-mediated mRNA decay. As such, this variant is interpreted as a disease-causing mutation.

Labcorp Genetics (formerly Invitae), Labcorp
Classification: Pathogenic for DICER1-related tumor predisposition. Last evaluated: 2023-02-09. Review status: criteria provided, single submitter. Criteria: Invitae Variant Classification Sherloc (09022015). Collection method: clinical testing. Allele origin: germline.
Comment: This sequence change creates a premature translational stop signal (p.Ile461Metfs*18) in the DICER1 gene. It is expected to result in an absent or disrupted protein product. Loss-of-function variants in DICER1 are known to be pathogenic (PMID: 19556464, 21266384). This variant is not present in population databases (gnomAD no frequency). This premature translational stop signal has been observed in individual(s) with pleuropulmonary blastoma (PMID: 24675358). ClinVar contains an entry for this variant (Variation ID: 933096). For these reasons, this variant has been classified as Pathogenic.

Foulkes Cancer Genetics LDI, Lady Davis Institute for Medical Research
Classification: Pathogenic for Pleuropulmonary blastoma. Last evaluated: 2019-07-01. Review status: criteria provided, single submitter. Criteria: ACMG Guidelines, 2015. Collection method: curation. Allele origin: germline. Affected: yes. Observed: 1 variant allele.
Comment: ACMG criteria met: PVS1, PM2, PP4

Literature cited by the submitters: PubMed 24675358 (cited by 3 submitters); PubMed 19556464 (cited by Labcorp Genetics (formerly Invitae), Labcorp); PubMed 21266384 (cited by Labcorp Genetics (formerly Invitae), Labcorp).